The following is an entry in ClinVar:

NM_000093.5(COL5A1):c.740C>T (p.Ala247Val)

Gene: COL5A1 (collagen type V alpha 1 chain; plus strand). Cytogenetic location: 9q34.3.
Variant type: single nucleotide variant.
Coding change: c.740C>T on transcript NM_000093.5 (MANE Select); coding-DNA position 740, C replaced by T.
Protein change: p.Ala247Val; replaces alanine 247 with valine.
Molecular consequence: missense variant.
Genome position (GRCh38, 1-based): chr9:134,727,351, C>T. VCF-style: chr9-134727351-C-T. GRCh37 (hg19) VCF-style: chr9-137619197-C-T.
Other names: c.740C>T, p.Ala247Val (NM_001278074.1); short protein forms A247V.
Identifiers: ClinVar variation 4750948 (VCV004750948.1).

ClinVar aggregate classification (germline): Uncertain significance (1 of 4 stars; one submission).

Conditions:
Ehlers-Danlos syndrome, classic type, 1 (EDSCL1). Also called: EHLERS-DANLOS SYNDROME, GRAVIS TYPE; EHLERS-DANLOS SYNDROME, SEVERE CLASSIC TYPE; Ehlers-Danlos syndrome, type 1; Ehlers-Danlos Syndrome, Classic Type, COL5A1-Related; EDS I. Identifiers: MedGen C0268335, MONDO:0019567, OMIM 130000.

gnomAD v4.1: 2 of 1,614,032 alleles (0.00012%); highest among the groups gnomAD compares: East Asian, 0.0022%; no homozygotes.

Submission:

Labcorp Genetics (formerly Invitae), Labcorp
Classification: Uncertain significance for Ehlers-Danlos syndrome, classic type, 1. Last evaluated: 2025-09-10. Review status: criteria provided, single submitter. Criteria: Invitae Variant Classification Sherloc (09022015). Collection method: clinical testing. Allele origin: germline.
Comment: This sequence change replaces alanine, which is neutral and non-polar, with valine, which is neutral and non-polar, at codon 247 of the COL5A1 protein (p.Ala247Val). This variant is not present in population databases (gnomAD no frequency). This variant has not been reported in the literature in individuals affected with COL5A1-related conditions. Invitae Evidence Modeling of protein sequence and biophysical properties (such as structural, functional, and spatial information, amino acid conservation, physicochemical variation, residue mobility, and thermodynamic stability) indicates that this missense variant is not expected to disrupt COL5A1 protein function with a negative predictive value of 95%. In summary, the available evidence is currently insufficient to determine the role of this variant in disease. Therefore, it has been classified as a Variant of Uncertain Significance.